The following is an entry in ClinVar:

ClinVar aggregate classification (germline): Uncertain significance (0 of 4 stars; one submission).

Conditions:
Prostate cancer. Also called: Malignant tumor of prostate. Identifiers: Orphanet 1331, MedGen C0376358, MONDO:0008315, HP:0012125.

Submission:

Science for Life laboratory,  Karolinska Institutet
Classification: Uncertain significance for Malignant tumor of prostate. Review status: no assertion criteria provided. Collection method: not provided. Allele origin: somatic.
Comment: TumorID:SWE-19
ClinVar note: Converted during submission from Unknown to Uncertain significance.

NM_000554.6(CRX):c.107C>A (p.Pro36His)

Gene: CRX (cone-rod homeobox; plus strand). Cytogenetic location: 19q13.33.
Variant type: single nucleotide variant.
Coding change: c.107C>A on transcript NM_000554.6 (MANE Select); coding-DNA position 107, C replaced by A.
Protein change: p.Pro36His; replaces proline 36 with histidine.
Molecular consequence: missense variant.
Genome position (GRCh38, 1-based): chr19:47,836,249, C>A. VCF-style: chr19-47836249-C-A. GRCh37 (hg19) VCF-style: chr19-48339506-C-A.
Other names: short protein forms P36H.
Identifiers: ClinVar variation 161470 (VCV000161470.2), dbSNP rs193920917, ClinGen allele CA174095.